The following is an entry in ClinVar:

ClinVar aggregate classification (germline): Pathogenic (1 of 4 stars; one submission).

Conditions:
Inborn genetic diseases. Identifiers: MedGen C0950123, MeSH D030342.

Submission:

Ambry Genetics
Classification: Pathogenic for Inborn genetic diseases. Last evaluated: 2025-08-08. Review status: criteria provided, single submitter. Criteria: Ambry Variant Classification Scheme 2023. Collection method: clinical testing. Allele origin: germline.
Comment: The c.4092delT (p.F1364Lfs*8) alteration, located in exon 21 (coding exon 19) of the RERE gene, consists of a deletion of one nucleotide at position 4092, causing a translational frameshift with a predicted alternate stop codon after 8 amino acids. This alteration is expected to result in loss of function by premature protein truncation or nonsense-mediated mRNA decay. This variant was not reported in population-based cohorts in the Genome Aggregation Database (gnomAD). Based on the available evidence, this alteration is classified as pathogenic.

NM_001042681.2(RERE):c.4092del (p.Phe1364fs)

Gene: RERE (arginine-glutamic acid dipeptide repeats; minus strand). Cytogenetic location: 1p36.23.
Variant type: Deletion.
Coding change: c.4092del on transcript NM_001042681.2 (MANE Select); coding-DNA position 4092, one base deleted (T; older notation c.4092delT).
Protein change: p.Phe1364fs; shifts the reading frame from phenylalanine 1364.
Molecular consequence: frameshift variant.
Genome position (GRCh38, 1-based): chr1:8,358,443, A deleted on the plus strand (T on the coding strand, the reverse complement: RERE is on the minus strand); the first of 4 consecutive A bases (chr1:8,358,443-8,358,446); deleting any one gives the same sequence. VCF-style (leftmost placement, unchanged base first): chr1-8358442-CA-C. GRCh37 (hg19) VCF-style: chr1-8418502-CA-C.
Other names: c.2430del, p.Phe810fs (NM_001042682.2); c.4092del, p.Phe1364fs (NM_012102.4); short protein forms F1364fs, F810fs.
Identifiers: ClinVar variation 4152671 (VCV004152671.1).